The following is an entry in ClinVar:

ClinVar aggregate classification (germline): Pathogenic. Review status: criteria provided, multiple submitters, no conflicts (2 of 4 stars). 2 submissions from 2 submitters: Pathogenic (2). Last evaluated 2025-07-08.

Conditions:
USH2A-related disorder. Also called: USH2A-related disorders; USH2A-related condition. Identifiers: MedGen CN239332.

Submissions (2):

Myriad Genetics, Inc.
Classification: Pathogenic for USH2A-related disorder. Last evaluated: 2025-07-08. Review status: criteria provided, single submitter. Criteria: Myriad Autosomal Dominant, Autosomal Recessive and X-Linked Classification Criteria (2023). Collection method: clinical testing. Allele origin: unknown.
Comment: NM_206933.2(USH2A):c.5352dupT(T1785Yfs*13) is a frameshift variant classified as pathogenic in the context of USH2A-related disorders. T1785Yfs*13 has not been observed in cases with relevant disease. Relevant functional assessments of this variant are not available in the literature. T1785Yfs*13 has not been observed in referenced population frequency databases. In summary, NM_206933.2(USH2A):c.5352dupT(T1785Yfs*13) is a frameshift variant in a gene where loss of function is a known mechanism of disease and is predicted to disrupt protein function. Please note: this variant was assessed in the context of healthy population screening.

Labcorp Genetics (formerly Invitae), Labcorp
Classification: Pathogenic. Last evaluated: 2022-01-13. Review status: criteria provided, single submitter. Criteria: Invitae Variant Classification Sherloc (09022015). Collection method: clinical testing. Allele origin: germline.
Comment: This sequence change creates a premature translational stop signal (p.Thr1785Tyrfs*13) in the USH2A gene. It is expected to result in an absent or disrupted protein product. Loss-of-function variants in USH2A are known to be pathogenic (PMID: 10729113, 10909849, 20507924, 25649381). This variant is not present in population databases (gnomAD no frequency). For these reasons, this variant has been classified as Pathogenic. ClinVar contains an entry for this variant (Variation ID: 938062). This variant has not been reported in the literature in individuals affected with USH2A-related conditions.

Literature cited by the submitters: PubMed 10729113 (cited by Labcorp Genetics (formerly Invitae), Labcorp); PubMed 10909849 (cited by Labcorp Genetics (formerly Invitae), Labcorp); PubMed 20507924 (cited by Labcorp Genetics (formerly Invitae), Labcorp); PubMed 25649381 (cited by Labcorp Genetics (formerly Invitae), Labcorp).

NM_206933.4(USH2A):c.5352dup (p.Thr1785fs)

Genes: USH2A (usherin; minus strand), USH2A-AS2 (USH2A antisense RNA 2; plus strand). Cytogenetic location: 1q41.
Variant type: Duplication.
Coding change: c.5352dup on transcript NM_206933.4 (MANE Select); coding-DNA position 5352, one base duplicated (T; older notation c.5352dupT).
Protein change: p.Thr1785fs; shifts the reading frame from threonine 1785.
Molecular consequence: frameshift variant.
Genome position (GRCh38, 1-based): chr1:216,078,309, A duplicated on the plus strand (T on the coding strand, the reverse complement: USH2A is on the minus strand); the first of 3 consecutive A bases (chr1:216,078,309-216,078,311); duplicating any one gives the same sequence. VCF-style (leftmost placement, unchanged base first): chr1-216078308-T-TA. GRCh37 (hg19) VCF-style: chr1-216251650-T-TA.
Other names: short protein forms T1785fs.
Identifiers: ClinVar variation 938062 (VCV000938062.8), dbSNP rs1181345434, ClinGen allele CA731371867.